The following is an entry in ClinVar:

NM_000051.4(ATM):c.3160C>T (p.Pro1054Ser)

Gene: ATM (ATM serine/threonine kinase; plus strand). Cytogenetic location: 11q22.3.
Variant type: single nucleotide variant.
Coding change: c.3160C>T on transcript NM_000051.4 (MANE Select); coding-DNA position 3160, C replaced by T.
Protein change: p.Pro1054Ser; replaces proline 1054 with serine.
Molecular consequence: missense variant.
Genome position (GRCh38, 1-based): chr11:108,272,728, C>T. VCF-style: chr11-108272728-C-T. GRCh37 (hg19) VCF-style: chr11-108143455-C-T.
Other names: c.3160C>T, p.Pro1054Ser (NM_001351834.2); short protein forms P1054S.
Identifiers: ClinVar variation 2125327 (VCV002125327.6), dbSNP rs775095314, ClinGen allele CA6265217.

ClinVar aggregate classification (germline): Uncertain significance. Review status: criteria provided, multiple submitters, no conflicts (2 of 4 stars). 3 submissions from 3 submitters: Uncertain significance (3). Last evaluated 2025-01-27.

Conditions:
Ataxia-telangiectasia syndrome (AT). Also called: Cerebello-oculocutaneous telangiectasia; Immunodeficiency with ataxia telangiectasia; Ataxia-telangiectasia, complementation group D; Ataxia telangiectasia (A-T); ATAXIA-TELANGIECTASIA, COMPLEMENTATION GROUP A; ATAXIA-TELANGIECTASIA, FRESNO VARIANT. Identifiers: Orphanet 100, MedGen C0004135, MONDO:0008840, OMIM 208900.
Familial cancer of breast. Also called: BREAST CANCER, FAMILIAL; Hereditary breast cancer; hereditary breast carcinoma. Identifiers: Orphanet 227535, MedGen C0346153, MONDO:0016419, OMIM 114480. Disease mechanism: loss of function.
Hereditary cancer-predisposing syndrome. Also called: Hereditary Cancer Syndrome; Neoplastic Syndromes, Hereditary; Hereditary neoplastic syndrome; Tumor predisposition. Identifiers: Orphanet 140162, MedGen C0027672, MeSH D009386, MONDO:0015356.

Allele frequency attached by ClinVar (database versions not stated): gnomAD exomes below 0.00001; ExAC 0.00001.
gnomAD v4.1: 6 of 1,613,880 alleles (0.00037%); highest among the groups gnomAD compares: South Asian, 0.0044%; no homozygotes.

Submissions (3):

Ambry Genetics
Classification: Uncertain significance for Hereditary cancer-predisposing syndrome. Last evaluated: 2025-01-27. Review status: criteria provided, single submitter. Criteria: Ambry Variant Classification Scheme 2023. Collection method: clinical testing. Allele origin: germline.
Comment: The p.P1054S variant (also known as c.3160C>T), located in coding exon 21 of the ATM gene, results from a C to T substitution at nucleotide position 3160. The proline at codon 1054 is replaced by serine, an amino acid with similar properties. This variant was detected in 1/333 Polish patients with ovarian cancer (Koczkowska M et al. Cancers (Basel), 2018 Nov;10:). This amino acid position is highly conserved in available vertebrate species. In addition, this alteration is predicted to be deleterious by in silico analysis. Based on the available evidence, the clinical significance of this variant remains unclear.

Fulgent Genetics
Classification: Uncertain significance for Familial cancer of breast; Ataxia-telangiectasia syndrome. Last evaluated: 2024-04-25. Review status: criteria provided, single submitter. Criteria: ACMG Guidelines, 2015. Collection method: clinical testing. Allele origin: germline.

Labcorp Genetics (formerly Invitae), Labcorp
Classification: Uncertain significance for Ataxia-telangiectasia syndrome. Last evaluated: 2022-06-21. Review status: criteria provided, single submitter. Criteria: Invitae Variant Classification Sherloc (09022015). Collection method: clinical testing. Allele origin: germline.
Comment: In summary, the available evidence is currently insufficient to determine the role of this variant in disease. Therefore, it has been classified as a Variant of Uncertain Significance. Advanced modeling of protein sequence and biophysical properties (such as structural, functional, and spatial information, amino acid conservation, physicochemical variation, residue mobility, and thermodynamic stability) performed at Invitae indicates that this missense variant is not expected to disrupt ATM protein function. This variant has not been reported in the literature in individuals affected with ATM-related conditions. This variant is present in population databases (rs775095314, gnomAD 0.006%). This sequence change replaces proline, which is neutral and non-polar, with serine, which is neutral and polar, at codon 1054 of the ATM protein (p.Pro1054Ser).

Literature cited by the submitters: PubMed 30441849 (cited by Ambry Genetics).